The following is an entry in ClinVar:

NM_024675.4(PALB2):c.2953dup (p.Ser985fs)

Gene: PALB2 (partner and localizer of BRCA2; minus strand). Cytogenetic location: 16p12.2.
Variant type: Duplication.
Coding change: c.2953dup on transcript NM_024675.4 (MANE Select); coding-DNA position 2953, one base duplicated (T; older notation c.2953dupT).
Protein change: p.Ser985fs; shifts the reading frame from serine 985.
Molecular consequence: frameshift variant. On other transcripts: intron variant (1).
Genome position (GRCh38, 1-based): chr16:23,623,012, A duplicated on the plus strand (T on the coding strand, the reverse complement: PALB2 is on the minus strand); the first of 3 consecutive A bases (chr16:23,623,012-23,623,014); duplicating any one gives the same sequence. VCF-style (leftmost placement, unchanged base first): chr16-23623011-G-GA. GRCh37 (hg19) VCF-style: chr16-23634332-G-GA.
Other names: c.2068dup, p.Ser690fs (NM_001407306.1, NM_001407308.1, NM_001407309.1 and 4 more transcripts); c.1906dup, p.Ser636fs (NM_001407307.1); c.1165dup, p.Ser389fs (NM_001407312.1, NM_001407313.1); c.487dup, p.Ser163fs (NM_001407314.1); c.2834+997dup (NM_001407300.1); c.2893dup, p.Ser965fs (NM_001407296.1); c.2881dup, p.Ser961fs (NM_001407297.1); c.2791dup, p.Ser931fs (NM_001407298.1, NM_001407302.1); and 2 more; short protein forms S636fs, S163fs, S961fs, S985fs, S389fs, S690fs, S931fs, S965fs.
Identifiers: ClinVar variation 4130351 (VCV004130351.1).

ClinVar aggregate classification (germline): Pathogenic (1 of 4 stars; one submission).

Conditions:
Hereditary cancer-predisposing syndrome. Also called: Hereditary neoplastic syndrome; Neoplastic Syndromes, Hereditary; Tumor predisposition; Hereditary Cancer Syndrome. Identifiers: Orphanet 140162, MedGen C0027672, MeSH D009386, MONDO:0015356.

Submission:

Ambry Genetics
Classification: Pathogenic for Hereditary cancer-predisposing syndrome. Last evaluated: 2025-08-25. Review status: criteria provided, single submitter. Criteria: Ambry Variant Classification Scheme 2023. Collection method: clinical testing. Allele origin: germline.
Comment: The c.2953dupT pathogenic mutation, located in coding exon 9 of the PALB2 gene, results from a duplication of T at nucleotide position 2953, causing a translational frameshift with a predicted alternate stop codon (p.S985Ffs*2). This variant is considered to be rare based on population cohorts in the Genome Aggregation Database (gnomAD). This alteration is expected to result in loss of function by premature protein truncation or nonsense-mediated mRNA decay. As such, this alteration is interpreted as a disease-causing mutation.